The following is an entry in ClinVar:

ClinVar aggregate classification (germline): Pathogenic (1 of 4 stars; one submission).

Conditions:
Marfan syndrome (MFS). Also called: MARFAN SYNDROME, TYPE I; Marfan syndrome type 1; Marfan's syndrome; Marfan syndrome, classic; FBN1-Related Marfan Syndrome. Identifiers: Orphanet 284963, Orphanet 558, MedGen C0024796, MONDO:0007947, OMIM 154700.
Familial thoracic aortic aneurysm and aortic dissection (TAAD). Also called: Thoracic aortic aneurysms and dissections. Identifiers: Orphanet 91387, MedGen C4707243, MONDO:0019625.

Submission:

Labcorp Genetics (formerly Invitae), Labcorp
Classification: Pathogenic for Marfan syndrome; Familial thoracic aortic aneurysm and aortic dissection. Last evaluated: 2020-11-24. Review status: criteria provided, single submitter. Criteria: Invitae Variant Classification Sherloc (09022015). Collection method: clinical testing. Allele origin: germline.
Comment: For these reasons, this variant has been classified as Pathogenic. This variant affects a cysteine residue in the EGF-like, TGFBP or hybrid motif domains of FBN1. Cysteine residues are believed to be involved in intramolecular disulfide bridges and have been shown to be important for FBN1 protein structure (PMID: 16905551, 19349279). In addition, missense substitutions affecting cysteine residues within these domains are significantly overrepresented among patients with Marfan syndrome (PMID: 16571647, 17701892). Advanced modeling of protein sequence and biophysical properties (such as structural, functional, and spatial information, amino acid conservation, physicochemical variation, residue mobility, and thermodynamic stability) performed at Invitae indicates that this missense variant is expected to disrupt FBN1 protein function. This variant has been observed in individual(s) with clinical features of Marfan Syndrome (PMID: 19293843, Invitae). This variant is not present in population databases (ExAC no frequency). This sequence change replaces cysteine with arginine at codon 1180 of the FBN1 protein (p.Cys1180Arg). The cysteine residue is highly conserved and there is a large physicochemical difference between cysteine and arginine.

Literature cited by the submitters: PubMed 16905551; PubMed 19349279; PubMed 16571647; PubMed 17701892; PubMed 19293843.

NM_000138.5(FBN1):c.3538T>C (p.Cys1180Arg)

Gene: FBN1 (fibrillin 1; minus strand). Cytogenetic location: 15q21.1.
Variant type: single nucleotide variant.
Coding change: c.3538T>C on transcript NM_000138.5 (MANE Select); coding-DNA position 3538, T replaced by C.
Protein change: p.Cys1180Arg; replaces cysteine 1180 with arginine.
Molecular consequence: missense variant.
Genome position (GRCh38, 1-based): chr15:48,487,126, A>G on the plus strand (T>C on the coding strand, the complement: FBN1 is on the minus strand). VCF-style: chr15-48487126-A-G. GRCh37 (hg19) VCF-style: chr15-48779323-A-G.
Other names: short protein forms C1180R.
Identifiers: ClinVar variation 1460238 (VCV001460238.8), dbSNP rs2141293199, ClinGen allele CA392325064.